The following is an entry in ClinVar:

ClinVar aggregate classification (germline): Conflicting classifications of pathogenicity. Review status: criteria provided, conflicting classifications (1 of 4 stars). 3 submissions from 3 submitters: Uncertain significance (2); Likely benign (1). Last evaluated 2025-10-23.

Conditions:
NOTCH1-related disorder. Also called: NOTCH1-related disorders; NOTCH1-related condition.
Adams-Oliver syndrome 5 (AOS5). Identifiers: Orphanet 974, MedGen C4014970, MONDO:0014459, OMIM 616028.
Familial thoracic aortic aneurysm and aortic dissection (TAAD). Also called: Thoracic aortic aneurysms and dissections. Identifiers: Orphanet 91387, MedGen C4707243, MONDO:0019625.

Allele frequency attached by ClinVar (database versions not stated): gnomAD exomes 0.00001 and 0.00004; gnomAD 0.00002 and 0.00003; TOPMed 0.00002; ExAC 0.00003.
gnomAD v4.1: 19 of 1,612,386 alleles (0.0012%); highest among the groups gnomAD compares: Admixed American, 0.018%; no homozygotes.

Submissions (3):

Labcorp Genetics (formerly Invitae), Labcorp
Classification: Uncertain significance for Adams-Oliver syndrome 5. Last evaluated: 2025-10-23. Review status: criteria provided, single submitter. Criteria: Invitae Variant Classification Sherloc (09022015). Collection method: clinical testing. Allele origin: germline.
Comment: This sequence change falls in intron 8 of the NOTCH1 gene. It does not directly change the encoded amino acid sequence of the NOTCH1 protein. It affects a nucleotide within the consensus splice site. This variant is present in population databases (rs764082065, gnomAD 0.03%). This variant has not been reported in the literature in individuals affected with NOTCH1-related conditions. ClinVar contains an entry for this variant (Variation ID: 409075). Variants that disrupt the consensus splice site are a relatively common cause of aberrant splicing (PMID: 17576681, 9536098). Algorithms developed to predict the effect of sequence changes on RNA splicing suggest that this variant is not likely to affect RNA splicing. In summary, the available evidence is currently insufficient to determine the role of this variant in disease. Therefore, it has been classified as a Variant of Uncertain Significance.

PreventionGenetics, part of Exact Sciences
Classification: Likely benign for NOTCH1-related condition. Last evaluated: 2025-02-12. Review status: criteria provided, single submitter. Criteria: ACMG Guidelines, 2015. Collection method: clinical testing. Allele origin: germline.
Comment: This variant is classified as likely benign based on ACMG/AMP sequence variant interpretation guidelines (Richards et al. 2015 PMID: 25741868, with internal and published modifications).

Ambry Genetics
Classification: Uncertain significance for Familial thoracic aortic aneurysm and aortic dissection. Last evaluated: 2023-10-31. Review status: criteria provided, single submitter. Criteria: Ambry Variant Classification Scheme 2023. Collection method: clinical testing. Allele origin: germline.
Comment: The c.1441+4C>T intronic variant results from a C to T substitution 4 nucleotides after coding exon 8 in the NOTCH1 gene. This nucleotide position is poorly conserved in available vertebrate species. In silico splice site analysis predicts that this alteration will not have any significant effect on splicing. Since supporting evidence is limited at this time, the clinical significance of this alteration remains unclear.

Literature cited by the submitters: PubMed 17576681 (cited by Labcorp Genetics (formerly Invitae), Labcorp); PubMed 9536098 (cited by Labcorp Genetics (formerly Invitae), Labcorp).

NM_017617.5(NOTCH1):c.1441+4C>T

Gene: NOTCH1 (notch receptor 1; minus strand). Cytogenetic location: 9q34.3.
Variant type: single nucleotide variant.
Coding change: c.1441+4C>T on transcript NM_017617.5 (MANE Select); 4 bases into the intron after coding-DNA position 1441, C replaced by T.
Molecular consequence: intron variant.
Genome position (GRCh38, 1-based): chr9:136,517,748, G>A on the plus strand (C>T on the coding strand, the complement: NOTCH1 is on the minus strand). VCF-style: chr9-136517748-G-A. GRCh37 (hg19) VCF-style: chr9-139412200-G-A.
Other names: c.1441+4C>T (LRG_1122t1, NM_017617.4).
Identifiers: ClinVar variation 409075 (VCV000409075.10), dbSNP rs764082065, ClinGen allele CA5341810.
Genomic context (GRCh38, chr9:136,517,748, plus strand): 5'-GGGCTGCCCCTCCAAGGCTGCCCAGCCTCGACTCGGTTTCCCGCCCTGGCCCCGGCCGAC[G>A]CACCGGGCATGCAGATGCACTGGAACTCCCCAATCTGGTCCAGGCAGGTGGCGTCGTTCT-3'